The following is an entry in ClinVar:

NM_003105.6(SORL1):c.4964G>A (p.Arg1655Gln)

Gene: SORL1 (sortilin related receptor 1; plus strand). Cytogenetic location: 11q24.1.
Variant type: single nucleotide variant.
Coding change: c.4964G>A on transcript NM_003105.6 (MANE Select); coding-DNA position 4964, G replaced by A.
Protein change: p.Arg1655Gln; replaces arginine 1655 with glutamine.
Molecular consequence: missense variant.
Genome position (GRCh38, 1-based): chr11:121,606,860, G>A. VCF-style: chr11-121606860-G-A. GRCh37 (hg19) VCF-style: chr11-121477569-G-A.
Other names: short protein forms R1655Q.
Identifiers: ClinVar variation 3447284 (VCV003447284.2).

ClinVar aggregate classification (germline): Conflicting classifications of pathogenicity. Review status: criteria provided, conflicting classifications (1 of 4 stars). 2 submissions from 2 submitters: Uncertain significance (1); Likely benign (1). Last evaluated 2025-11-06.

gnomAD v4.1: 4 of 1,613,020 alleles (0.00025%); highest among the groups gnomAD compares: Admixed American, 0.0017%; no homozygotes.

Submissions (2):

Labcorp Genetics (formerly Invitae), Labcorp
Classification: Uncertain significance. Last evaluated: 2025-11-06. Review status: criteria provided, single submitter. Criteria: Invitae Variant Classification Sherloc (09022015). Collection method: clinical testing. Allele origin: germline.
Comment: This sequence change replaces arginine, which is basic and polar, with glutamine, which is neutral and polar, at codon 1655 of the SORL1 protein (p.Arg1655Gln). This variant is present in population databases (rs375720691, gnomAD 0.007%). This variant has not been reported in the literature in individuals affected with SORL1-related conditions. ClinVar contains an entry for this variant (Variation ID: 3447284). An algorithm developed to predict the effect of missense changes on protein structure and function outputs the following: PolyPhen-2: "Benign". The glutamine amino acid residue is found in multiple mammalian species, which suggests that this missense change does not adversely affect protein function. In summary, the available evidence is currently insufficient to determine the role of this variant in disease. Therefore, it has been classified as a Variant of Uncertain Significance.

Ambry Genetics
Classification: Likely benign. Last evaluated: 2024-09-03. Review status: criteria provided, single submitter. Criteria: Ambry Variant Classification Scheme 2023. Collection method: clinical testing. Allele origin: germline.